The following is an entry in ClinVar:

ClinVar aggregate classification (germline): Uncertain significance (1 of 4 stars; one submission).

Submission:

GeneDx
Classification: Uncertain significance. Last evaluated: 2025-04-03. Review status: criteria provided, single submitter. Criteria: GeneDx Variant Classification Process June 2021. Collection method: clinical testing. Allele origin: germline. Affected: yes.
Comment: Not observed at significant frequency in large population cohorts (gnomAD); In silico analysis indicates that this missense variant does not alter protein structure/function; Has not been previously published as pathogenic or benign to our knowledge

NM_015570.4(AUTS2):c.1926G>A (p.Met642Ile)

Gene: AUTS2 (activator of transcription and developmental regulator AUTS2; plus strand). Cytogenetic location: 7q11.22.
Variant type: single nucleotide variant.
Coding change: c.1926G>A on transcript NM_015570.4 (MANE Select); coding-DNA position 1926, G replaced by A.
Protein change: p.Met642Ile; replaces methionine 642 with isoleucine.
Molecular consequence: missense variant.
Genome position (GRCh38, 1-based): chr7:70,775,380, G>A. VCF-style: chr7-70775380-G-A. GRCh37 (hg19) VCF-style: chr7-70240366-G-A.
Other names: c.1854G>A, p.Met618Ile (NM_001127231.3); short protein forms M618I, M642I.
Identifiers: ClinVar variation 4282500 (VCV004282500.1).